The following is an entry in ClinVar:

NM_000405.5(GM2A):c.559G>A (p.Ala187Thr)

Gene: GM2A (ganglioside GM2 activator; plus strand). Cytogenetic location: 5q33.1.
Variant type: single nucleotide variant.
Coding change: c.559G>A on transcript NM_000405.5 (MANE Select); coding-DNA position 559, G replaced by A.
Protein change: p.Ala187Thr; replaces alanine 187 with threonine.
Molecular consequence: missense variant. On other transcripts: intron variant (1).
Genome position (GRCh38, 1-based): chr5:151,267,428, G>A. VCF-style: chr5-151267428-G-A. GRCh37 (hg19) VCF-style: chr5-150646989-G-A.
Other names: c.413-64G>A (NM_001167607.3); short protein forms A187T.
Identifiers: ClinVar variation 2959547 (VCV002959547.1), dbSNP rs1008391174, ClinGen allele CA129900027.

ClinVar aggregate classification (germline): Uncertain significance (1 of 4 stars; one submission).

Conditions:
Tay-Sachs disease, variant AB. Also called: Gm2-gangliosidosis, ab variant; GM2 Activator Deficiency. Identifiers: Orphanet 309246, MedGen C0268275, MONDO:0010099, OMIM 272750.

Allele frequency attached by ClinVar (database versions not stated): gnomAD exomes 0.00001; TOPMed 0.00001.
gnomAD v4.1: 11 of 1,614,096 alleles (0.00068%); highest among the groups gnomAD compares: Non-Finnish European, 0.00093%; no homozygotes.

Submission:

Labcorp Genetics (formerly Invitae), Labcorp
Classification: Uncertain significance for Tay-Sachs disease, variant AB. Last evaluated: 2023-07-26. Review status: criteria provided, single submitter. Criteria: Invitae Variant Classification Sherloc (09022015). Collection method: clinical testing. Allele origin: germline.
Comment: Algorithms developed to predict the effect of missense changes on protein structure and function output the following: SIFT: "Not Available"; PolyPhen-2: "Benign"; Align-GVGD: "Not Available". The threonine amino acid residue is found in multiple mammalian species, which suggests that this missense change does not adversely affect protein function. In summary, the available evidence is currently insufficient to determine the role of this variant in disease. Therefore, it has been classified as a Variant of Uncertain Significance. This variant has not been reported in the literature in individuals affected with GM2A-related conditions. This sequence change replaces alanine, which is neutral and non-polar, with threonine, which is neutral and polar, at codon 187 of the GM2A protein (p.Ala187Thr). This variant is not present in population databases (gnomAD no frequency).